The following is an entry in ClinVar:

NM_153252.5(BRWD3):c.684G>T (p.Met228Ile)

Gene: BRWD3 (bromodomain and WD repeat domain containing 3; minus strand). Cytogenetic location: Xq21.1.
Variant type: single nucleotide variant.
Coding change: c.684G>T on transcript NM_153252.5 (MANE Select); coding-DNA position 684, G replaced by T.
Protein change: p.Met228Ile; replaces methionine 228 with isoleucine.
Molecular consequence: missense variant.
Genome position (GRCh38, 1-based): chrX:80,744,161, C>A on the plus strand (G>T on the coding strand, the complement: BRWD3 is on the minus strand). VCF-style: chrX-80744161-C-A. GRCh37 (hg19) VCF-style: chrX-79999660-C-A.
Other names: short protein forms M228I.
Identifiers: ClinVar variation 1308201 (VCV001308201.2), dbSNP rs1569271167, ClinGen allele CA413606875.
Genomic context (GRCh38, chrX:80,744,161, plus strand): 5'-TACTCTTACTACCTTATCACAGCTGCCTGCAGCAATAAGAGTGTTTTCATAGTTAACAGC[C>A]ATGTCAGAAATTTCAGCAGAGTGTCCACGAAGTGTAGCAAGAAGGCGTCCATCATCTGTA-3'
Protein context (NP_694984.5, residues 218-238): LRGHSAEISD[Met228Ile]AVNYENTLIA

ClinVar aggregate classification (germline): Uncertain significance (1 of 4 stars; one submission).

Allele frequency attached by ClinVar (database versions not stated): gnomAD exomes below 0.00001 and 0.00001.
gnomAD v4.1: 2 of 1,211,266 alleles (0.00017%); highest among the groups gnomAD compares: Non-Finnish European, 0.00022%; no homozygotes.

Submission:

GeneDx
Classification: Uncertain significance. Last evaluated: 2019-03-23. Review status: criteria provided, single submitter. Criteria: GeneDx Variant Classification Process June 2021. Collection method: clinical testing. Allele origin: germline. Affected: yes.
Comment: Not observed in large population cohorts (Lek et al., 2016); In silico analysis, which includes protein predictors and evolutionary conservation, supports a deleterious effect; Has not been previously published as pathogenic or benign to our knowledge